The following is an entry in ClinVar:

ClinVar aggregate classification (germline): Likely benign (1 of 4 stars; one submission).

Submission:

CeGaT Center for Human Genetics Tuebingen
Classification: Likely benign. Last evaluated: 2026-07-01. Review status: criteria provided, single submitter. Criteria: CeGaT Center For Human Genetics Tuebingen Variant Classification Criteria Version 2. Collection method: clinical testing. Allele origin: germline. Affected: yes. Observed: 1 variant allele.
Comment: ARID1A: PM2:Supporting, BP4, BP7

NM_006015.6(ARID1A):c.288G>C (p.Ala96=)

Gene: ARID1A (AT-rich interaction domain 1A; plus strand). Cytogenetic location: 1p36.11.
Variant type: single nucleotide variant.
Coding change: c.288G>C on transcript NM_006015.6 (MANE Select); coding-DNA position 288, G replaced by C.
Protein change: p.Ala96=; no amino-acid change (alanine 96 retained).
Molecular consequence: synonymous variant.
Genome position (GRCh38, 1-based): chr1:26,696,691, G>C. VCF-style: chr1-26696691-G-C. GRCh37 (hg19) VCF-style: chr1-27023182-G-C.
Other names: c.288G>C, p.Ala96= (NM_139135.4).
Identifiers: ClinVar variation 5039604 (VCV005039604.1).